The following is an entry in ClinVar:

ClinVar aggregate classification (germline): Conflicting classifications of pathogenicity. Review status: criteria provided, conflicting classifications (1 of 4 stars). 7 submissions from 7 submitters: Uncertain significance (6); Likely benign (1). Last evaluated 2026-01-07.

Conditions:
Hereditary cancer-predisposing syndrome. Also called: Neoplastic Syndromes, Hereditary; Hereditary neoplastic syndrome; Tumor predisposition; Hereditary Cancer Syndrome. Identifiers: Orphanet 140162, MedGen C0027672, MeSH D009386, MONDO:0015356.
POLD1-related disorder. Also called: POLD1-related condition; POLD1-related disorders.
Mandibular hypoplasia-deafness-progeroid syndrome. Also called: Mandibular hypoplasia, deafness, progeroid features, and lipodystrophy syndrome. Identifiers: Orphanet 363649, MedGen C3715192, MONDO:0014157, OMIM 615381.
Immunodeficiency 120. Identifiers: MedGen C5935622, MONDO:0970994, OMIM 620836.
POLD1-related polyposis and colorectal cancer syndrome (CRCS10). Also called: Colorectal cancer 10; COLORECTAL CANCER, SUSCEPTIBILITY TO, ON CHROMOSOME 19q; Colorectal cancer, susceptibility to, 10. Identifiers: Orphanet 220460, MedGen C2675481, MONDO:0012953, OMIM 612591.

Allele frequency attached by ClinVar (database versions not stated): ExAC below 0.00001; TOPMed 0.00001; gnomAD exomes 0.00002 and 0.00003.
gnomAD v4.1: 28 of 1,551,706 alleles (0.0018%); highest among the groups gnomAD compares: Non-Finnish European, 0.0023%; no homozygotes.

Submissions (7):

PreventionGenetics, part of Exact Sciences
Classification: Uncertain significance for POLD1-related condition. Last evaluated: 2026-01-07. Review status: criteria provided, single submitter. Criteria: ACMG Guidelines, 2015. Collection method: clinical testing. Allele origin: germline.
Comment: The POLD1 c.3026G>A variant is predicted to result in the amino acid substitution p.Arg1009His. To our knowledge, this variant has not been reported in the literature. This variant is reported in 0.0084% of alleles in individuals of European (Non-Finnish) descent in gnomAD and has conflicting interpretations ranging from uncertain significance to likely benign in ClinVar (Variation ID: 469320). At this time, the clinical significance of this variant is uncertain due to the absence of conclusive functional and genetic evidence.

Labcorp Genetics (formerly Invitae), Labcorp
Classification: Uncertain significance for POLD1-related polyposis and colorectal cancer syndrome. Last evaluated: 2025-12-21. Review status: criteria provided, single submitter. Criteria: Invitae Variant Classification Sherloc (09022015). Collection method: clinical testing. Allele origin: germline.
Comment: This sequence change replaces arginine, which is basic and polar, with histidine, which is basic and polar, at codon 1009 of the POLD1 protein (p.Arg1009His). The frequency data for this variant in the population databases is considered unreliable, as metrics indicate poor data quality at this position in the gnomAD database. This variant has not been reported in the literature in individuals affected with POLD1-related conditions. ClinVar contains an entry for this variant (Variation ID: 469320). Invitae Evidence Modeling of protein sequence and biophysical properties (such as structural, functional, and spatial information, amino acid conservation, physicochemical variation, residue mobility, and thermodynamic stability) indicates that this missense variant is not expected to disrupt POLD1 protein function with a negative predictive value of 80%. In summary, the available evidence is currently insufficient to determine the role of this variant in disease. Therefore, it has been classified as a Variant of Uncertain Significance.

Ambry Genetics
Classification: Likely benign for Hereditary cancer-predisposing syndrome. Last evaluated: 2025-04-16. Review status: criteria provided, single submitter. Criteria: Ambry Variant Classification Scheme 2023. Collection method: clinical testing. Allele origin: germline.

Women's Health and Genetics/Laboratory Corporation of America, LabCorp
Classification: Uncertain significance. Last evaluated: 2024-09-05. Review status: criteria provided, single submitter. Criteria: LabCorp Variant Classification Summary - May 2015. Collection method: clinical testing. Allele origin: germline.
Comment: Variant summary: POLD1 c.3026G>A (p.Arg1009His) results in a non-conservative amino acid change in the encoded protein sequence. Three of five in-silico tools predict a damaging effect of the variant on protein function. The variant allele was found at a frequency of 3.3e-05 in 149668 control chromosomes. The available data on variant occurrences in the general population are insufficient to allow any conclusion about variant significance. c.3026G>A has been reported in the literature in at least one individual with a personal or family history of breast cancer (Mur_2020). These report(s) do not provide unequivocal conclusions about association of the variant with Colorectal Cancer. To our knowledge, no experimental evidence demonstrating an impact on protein function has been reported. The following publication has been ascertained in the context of this evaluation (PMID: 32792570). ClinVar contains an entry for this variant (Variation ID: 469320). Based on the evidence outlined above, the variant was classified as uncertain significance.

Department of Pathology and Laboratory Medicine, Sinai Health System
Classification: Uncertain significance for POLD1-related polyposis and colorectal cancer syndrome; Mandibular hypoplasia-deafness-progeroid syndrome; Immunodeficiency 120. Last evaluated: 2023-05-30. Review status: criteria provided, single submitter. Criteria: ACMG Guidelines, 2015. Collection method: clinical testing. Allele origin: germline. Affected: no.

GeneDx
Classification: Uncertain significance. Last evaluated: 2023-02-13. Review status: criteria provided, single submitter. Criteria: GeneDx Variant Classification Process June 2021. Collection method: clinical testing. Allele origin: germline. Affected: yes.
Comment: In silico analysis supports that this missense variant has a deleterious effect on protein structure/function; Has not been previously published as pathogenic or benign to our knowledge; This variant is associated with the following publications: (PMID: 32686686, 19296856)

Quest Diagnostics Nichols Institute San Juan Capistrano
Classification: Uncertain significance. Last evaluated: 2018-10-16. Review status: criteria provided, single submitter. Criteria: Quest Diagnostics criteria. Collection method: clinical testing. Allele origin: germline.

Literature cited by the submitters: PubMed 32792570 (cited by Women's Health and Genetics/Laboratory Corporation of America, LabCorp).

NM_002691.4(POLD1):c.3026G>A (p.Arg1009His)

Gene: POLD1 (DNA polymerase delta 1, catalytic subunit; plus strand). Cytogenetic location: 19q13.33.
Variant type: single nucleotide variant.
Coding change: c.3026G>A on transcript NM_002691.4 (MANE Select); coding-DNA position 3026, G replaced by A.
Protein change: p.Arg1009His; replaces arginine 1009 with histidine.
Molecular consequence: missense variant. On other transcripts: non-coding transcript variant (1).
Genome position (GRCh38, 1-based): chr19:50,416,682, G>A. VCF-style: chr19-50416682-G-A. GRCh37 (hg19) VCF-style: chr19-50919939-G-A.
Other names: c.3026G>A, p.Arg1009His (NM_001256849.1); c.3104G>A, p.Arg1035His (NM_001308632.1); c.3026G>A (NM_002691.2); short protein forms R1009H, R1035H.
Identifiers: ClinVar variation 469320 (VCV000469320.16), dbSNP rs757190258, ClinGen allele CA9596731.
Genomic context (GRCh38, chr19:50,416,682, plus strand): 5'-CGCGCTGCAAGACGGTGCTCACGGGCAAGGTGGGCGGCCTCCTGGCCTTCGCCAAACGCC[G>A]CAACTGCTGCATTGGCTGCCGCACAGTGCTCAGCCACCAGGGTGAGCGGCCCTGGCCACT-3'
Protein context (NP_002682.2, residues 999-1019): VGGLLAFAKR[Arg1009His]NCCIGCRTVL